The following is an entry in ClinVar:

ClinVar aggregate classification (germline): Uncertain significance. Review status: criteria provided, multiple submitters, no conflicts (2 of 4 stars). 2 submissions from 2 submitters: Uncertain significance (2). Last evaluated 2026-09-08.

Conditions:
Fabry disease. Also called: Fabry's disease; ALPHA-GALACTOSIDASE A DEFICIENCY; ANDERSON-FABRY DISEASE; CERAMIDE TRIHEXOSIDASE DEFICIENCY; GLA DEFICIENCY; HEREDITARY DYSTOPIC LIPIDOSIS. Identifiers: Orphanet 324, MedGen C0002986, MONDO:0010526, OMIM 301500, HP:0001071. Disease mechanism: Fabry disease is due to inactivating mutations in the X-linked GLA gene resulting in deficiency of the enzyme Alpha Galactosidase-A., loss of function.

Submissions (2):

Genomenon, Inc
Classification: Uncertain significance for Fabry disease. Last evaluated: 2026-09-08. Review status: criteria provided, single submitter. Criteria: Genomenon Sequence Variant Interpretation Standards - Updated. Collection method: curation. Allele origin: germline. Affected: no.
Comment: GLA c.-1A>C is a variant located in the 5′ untranslated region (5′ UTR). This variant has been reported in the published literature (PMID:39336803). It is absent or not present at a significant frequency in gnomAD. In conclusion, we classify GLA c.-1A>C as a variant of uncertain significance.

All of Us Research Program, National Institutes of Health
Classification: Uncertain significance for Fabry disease. Last evaluated: 2023-04-03. Review status: criteria provided, single submitter. Criteria: ACMG Guidelines, 2015. Collection method: clinical testing. Allele origin: germline. Inheritance: X-linked inheritance. Observed: 1 variant allele, 1 homozygote.
Comment: This variant is located in the 5' untranslated region of the GLA gene. To our knowledge, functional studies have not been reported for this variant. This variant has not been reported in individuals affected with GLA-related disorders in the literature. This variant has not been identified in the general population by the Genome Aggregation Database (gnomAD). The available evidence is insufficient to determine the role of this variant in disease conclusively. Therefore, this variant is classified as a Variant of Uncertain Significance.

This study involves interpretation of variants in research participants for the purpose of population health screening. Participant phenotype was not available at the time of variant classification. Additional details can be found in publication PMID: 35346344, PMCID: PMC8962531

Literature cited by the submitters: PubMed 39336803 (cited by Genomenon, Inc).

NM_000169.3(GLA):c.-1A>C

Genes: GLA (galactosidase alpha; minus strand), RPL36A-HNRNPH2 (RPL36A-HNRNPH2 readthrough; plus strand). Cytogenetic location: Xq22.1.
Variant type: single nucleotide variant.
Coding change: c.-1A>C on transcript NM_000169.3 (MANE Select); 1 bases upstream of the start codon, A replaced by C.
Molecular consequence: 5 prime UTR variant. On other transcripts: non-coding transcript variant (3), intron variant (2).
Genome position (GRCh38, 1-based): chrX:101,407,904, T>G on the plus strand (A>C on the coding strand, the complement: GLA is on the minus strand). VCF-style: chrX-101407904-T-G. GRCh37 (hg19) VCF-style: chrX-100662892-T-G.
Other names: c.-1A>C (NM_001406747.1, NM_001406748.1, NM_001406749.1); c.301-4032T>G (NM_001199973.2); c.178-4032T>G (NM_001199974.2).
Identifiers: ClinVar variation 3070228 (VCV003070228.3), dbSNP rs1555987235, ClinGen allele CA2825002909.